The following is an entry in ClinVar:

ClinVar aggregate classification (germline): Uncertain significance (1 of 4 stars; one submission).

Conditions:
Myofibrillar myopathy 4. Also called: Zaspopathy (type). Identifiers: Orphanet 98912, MedGen C4721886, MONDO:0012277, OMIM 609452.

Allele frequency attached by ClinVar (database versions not stated): gnomAD exomes 0.00001.
gnomAD v4.1: 2 of 1,614,050 alleles (0.00012%); highest among the groups gnomAD compares: African/African-American, 0.0027%; no homozygotes.

Submission:

Labcorp Genetics (formerly Invitae), Labcorp
Classification: Uncertain significance for Myofibrillar myopathy 4. Last evaluated: 2021-10-29. Review status: criteria provided, single submitter. Criteria: Invitae Variant Classification Sherloc (09022015). Collection method: clinical testing. Allele origin: germline.
Comment: Experimental studies and prediction algorithms are not available or were not evaluated, and the functional significance of this variant is currently unknown. Variants that disrupt the consensus splice site are a relatively common cause of aberrant splicing (PMID: 17576681, 9536098). In summary, the available evidence is currently insufficient to determine the role of this variant in disease. Therefore, it has been classified as a Variant of Uncertain Significance. The LDB3 gene has multiple clinically relevant transcripts. This variant occurs in alternate transcript NM_007078.3, and corresponds to NM_001080116.1:c.*19473G>A in the primary transcript. This sequence change replaces aspartic acid, which is acidic and polar, with asparagine, which is neutral and polar, at codon 660 of the LDB3 protein (p.Asp660Asn). This variant also falls at the last nucleotide of exon 12, which is part of the consensus splice site for this exon. This variant is present in population databases (no rsID available, gnomAD 0.01%). This variant has not been reported in the literature in individuals affected with LDB3-related conditions.

Literature cited by the submitters: PubMed 17576681; PubMed 9536098.

NM_007078.3(LDB3):c.1978G>A (p.Asp660Asn)

Gene: LDB3 (LIM domain binding 3; plus strand). Cytogenetic location: 10q23.2.
Variant type: single nucleotide variant.
Coding change: c.1978G>A on transcript NM_007078.3 (MANE Select); coding-DNA position 1978, G replaced by A.
Protein change: p.Asp660Asn; replaces aspartic acid 660 with asparagine.
Molecular consequence: missense variant.
Genome position (GRCh38, 1-based): chr10:86,718,847, G>A. VCF-style: chr10-86718847-G-A. GRCh37 (hg19) VCF-style: chr10-88478604-G-A.
Other names: c.1648G>A, p.Asp550Asn (NM_001080114.2); c.1993G>A, p.Asp665Asn (NM_001171610.2); c.1789G>A, p.Asp597Asn (NM_001368064.1, NM_001368065.1); c.1837G>A, p.Asp613Asn (NM_001368066.1); short protein forms D665N, D550N, D613N, D597N, D660N.
Identifiers: ClinVar variation 1485567 (VCV001485567.6), dbSNP rs1442071380, ClinGen allele CA377454484.